The following is an entry in ClinVar:

NM_001148.6(ANK2):c.10689G>C (p.Gln3563His)

Gene: ANK2 (ankyrin 2; plus strand). Cytogenetic location: 4q26.
Variant type: single nucleotide variant.
Coding change: c.10689G>C on transcript NM_001148.6 (MANE Select); coding-DNA position 10689, G replaced by C.
Protein change: p.Gln3563His; replaces glutamine 3563 with histidine.
Molecular consequence: missense variant.
Genome position (GRCh38, 1-based): chr4:113,360,830, G>C. VCF-style: chr4-113360830-G-C. GRCh37 (hg19) VCF-style: chr4-114281986-G-C.
Other names: c.4470G>C, p.Gln1490His (NM_001354232.2); c.10455G>C, p.Gln3485His (NM_001386142.1); c.4431G>C, p.Gln1477His (NM_001354235.2, NM_001354246.2, NM_001354265.2); c.4407G>C, p.Gln1469His (NM_001127493.3); c.4371G>C, p.Gln1457His (NM_001386143.1, NM_001354243.2, NM_001354255.2); c.4332G>C, p.Gln1444His (NM_001354236.2); c.4479G>C, p.Gln1493His (NM_001386144.1, NM_001354240.2, NM_001354241.2); c.4446G>C, p.Gln1482His (NM_001354225.2); and 35 more; short protein forms Q1423H, Q1435H, Q1445H, Q1493H, Q1350H, Q1383H, Q1400H, Q1412H.
Identifiers: ClinVar variation 641219 (VCV000641219.5), dbSNP rs1589099894, ClinGen allele CA357940995.
Genomic context (GRCh38, chr4:113,360,830, plus strand): 5'-TTCCTCTCCTGTCATAGACAACCTTTGGCCATTCTGTTTTTGACCTTCTCCAGATCCACA[G>C]GATGAGCAGGAACGGATCGAGGAAAGGCTGGCTTATATTGCTGATCACCTTGGCTTCAGC-3'
Protein context (NP_001139.3, residues 3553-3573): ENGHDHAEDP[Gln3563His]DEQERIEERL

ClinVar aggregate classification (germline): Uncertain significance (1 of 4 stars; one submission).

Conditions:
Long QT syndrome (LQTS). Identifiers: MedGen C0023976, MeSH D008133, MONDO:0002442. Disease mechanism: loss of function. Inheritance: Various modes of inheritance.

Submission:

Labcorp Genetics (formerly Invitae), Labcorp
Classification: Uncertain significance for Long QT syndrome. Last evaluated: 2018-10-01. Review status: criteria provided, single submitter. Criteria: Invitae Variant Classification Sherloc (09022015). Collection method: clinical testing. Allele origin: germline.
Comment: This sequence change replaces glutamine with histidine at codon 3563 of the ANK2 protein (p.Gln3563His). The glutamine residue is weakly conserved and there is a small physicochemical difference between glutamine and histidine. This variant is not present in population databases (ExAC no frequency). In summary, the available evidence is currently insufficient to determine the role of this variant in disease. Therefore, it has been classified as a Variant of Uncertain Significance. Algorithms developed to predict the effect of missense changes on protein structure and function are either unavailable or do not agree on the potential impact of this missense change (SIFT: "Tolerated"; PolyPhen-2: "Probably Damaging"; Align-GVGD: "Class C0"). This variant has not been reported in the literature in individuals with ANK2-related disease.